The following is an entry in ClinVar:

ClinVar aggregate classification (germline): Likely pathogenic (1 of 4 stars; one submission).

Conditions:
Pseudohypoaldosteronism type 2E (PHA2E). Also called: Pseudohypoaldosteronism Type IIE. Identifiers: Orphanet 300530, Orphanet 757, MedGen C3469606, MONDO:0013782, OMIM 614496.
Neurodevelopmental disorder with or without autism or seizures (NEDAUS). Identifiers: MedGen C5543225, MONDO:0030994, OMIM 619239.

Submission:

Juno Genomics, Hangzhou Juno Genomics, Inc
Classification: Likely pathogenic for Neurodevelopmental disorder with or without autism or seizures; Pseudohypoaldosteronism type 2E. Review status: criteria provided, single submitter. Criteria: ACMG Guidelines, 2015. Collection method: clinical testing. Allele origin: germline. Affected: yes.
Comment: Absent from controls (or at extremely low frequency if recessive) in Genome Aggregation Database.;Null variant in a gene where loss of function (LOF) is a known mechanism of disease.

NM_003590.5(CUL3):c.1835_1836dup (p.Phe613fs)

Gene: CUL3 (cullin 3; minus strand). Cytogenetic location: 2q36.2.
Variant type: Microsatellite.
Coding change: c.1835_1836dup on transcript NM_003590.5 (MANE Select); coding-DNA positions 1835 to 1836, 2 bases duplicated (CA; older notation c.1835_1836dupCA).
Protein change: p.Phe613fs; shifts the reading frame from phenylalanine 613.
Molecular consequence: frameshift variant.
Genome position (GRCh38, 1-based): chr2:224,495,838-224,495,839, TG duplicated on the plus strand (CA on the coding strand, the reverse complement: CUL3 is on the minus strand); duplicating any 2 consecutive bases within chr2:224,495,838-224,495,842 gives the same sequence; the c. name uses the placement nearest the transcript's 3' end. VCF-style (leftmost placement, unchanged base first): chr2-224495837-A-ATG. GRCh37 (hg19) VCF-style: chr2-225360554-A-ATG.
Other names: c.1637_1638dup, p.Phe547fs (NM_001257197.2); c.1853_1854dup, p.Phe619fs (NM_001257198.2); short protein forms F547fs, F613fs, F619fs.
Identifiers: ClinVar variation 5007670 (VCV005007670.1).